The following is an entry in ClinVar:

NM_000268.4(NF2):c.1419G>C (p.Leu473=)

Gene: NF2 (NF2, moesin-ezrin-radixin like (MERLIN) tumor suppressor; plus strand). Cytogenetic location: 22q12.2.
Variant type: single nucleotide variant.
Coding change: c.1419G>C on transcript NM_000268.4 (MANE Select); coding-DNA position 1419, G replaced by C.
Protein change: p.Leu473=; no amino-acid change (leucine 473 retained).
Molecular consequence: synonymous variant. On other transcripts: non-coding transcript variant (1), intron variant (1).
Genome position (GRCh38, 1-based): chr22:29,674,914, G>C. VCF-style: chr22-29674914-G-C. GRCh37 (hg19) VCF-style: chr22-30070903-G-C.
Other names: c.885G>C, p.Leu295= (NM_001407065.1); c.1419G>C, p.Leu473= (NM_001407066.1, NM_016418.5, NM_181825.3 and 2 more transcripts); c.1188G>C, p.Leu396= (NM_001407067.1); c.1293G>C, p.Leu431= (NM_181828.3, NM_001407055.1); c.1296G>C, p.Leu432= (NM_181829.3, NM_001407054.1, NM_001407058.1); c.1170G>C, p.Leu390= (NM_181830.3, NM_181831.3, NM_001407063.1 and 1 more transcripts); c.448-19838G>C (NM_181833.3); c.1161G>C, p.Leu387= (NM_001407062.1); and 2 more.
Identifiers: ClinVar variation 3387404 (VCV003387404.1).
Genomic context (GRCh38, chr22:29,674,914, plus strand): 5'-GCTGAAGCAGGACCTGCAGGAAGCACGCGAGGCGGAGCGAAGAGCCAAGCAGAAGCTCCT[G>C]GAGATTGCCACCAAGCCCACGTACCCGGTGAGCCTGGGGGCCACCAGCTGGGGCTGCCTT-3'
Protein context (NP_000259.1, residues 463-483): EAERRAKQKL[Leu473=]EIATKPTYPP

ClinVar aggregate classification (germline): Likely benign (1 of 4 stars; one submission).

Conditions:
Neurofibromatosis, type 2 (SWNV). Also called: NF2-Related Schwannomatosis; BILATERAL ACOUSTIC NEUROFIBROMATOSIS; SCHWANNOMATOSIS, VESTIBULAR. Identifiers: Orphanet 637, MedGen C0027832, MONDO:0007039, OMIM 101000. Disease mechanism: loss of function.

gnomAD v4.1: 1 of 1,572,566 alleles (0.000064%); highest among the groups gnomAD compares: Non-Finnish European, 0.000086%; no homozygotes.

Submission:

All of Us Research Program, National Institutes of Health
Classification: Likely benign for Neurofibromatosis, type 2. Last evaluated: 2024-04-16. Review status: criteria provided, single submitter. Criteria: ACMG Guidelines, 2015. Collection method: clinical testing. Allele origin: germline. Inheritance: Autosomal dominant inheritance. Observed: 1 variant allele, 1 heterozygote.
Comment: This study involves interpretation of variants in research participants for the purpose of population health screening. Participant phenotype was not available at the time of variant classification. Additional details can be found in publication PMID: 35346344, PMCID: PMC8962531